The following is an entry in ClinVar:

ClinVar aggregate classification (germline): Pathogenic (1 of 4 stars; one submission).

Conditions:
Ataxia-telangiectasia syndrome (AT). Also called: LOUIS-BAR SYNDROME; Ataxia telangiectasia (A-T); Cerebello-oculocutaneous telangiectasia; Immunodeficiency with ataxia telangiectasia; ATAXIA-TELANGIECTASIA, COMPLEMENTATION GROUP A; ATAXIA-TELANGIECTASIA, FRESNO VARIANT. Identifiers: Orphanet 100, MedGen C0004135, MONDO:0008840, OMIM 208900.

Submission:

Labcorp Genetics (formerly Invitae), Labcorp
Classification: Pathogenic for Ataxia-telangiectasia syndrome. Last evaluated: 2020-05-15. Review status: criteria provided, single submitter. Criteria: Invitae Variant Classification Sherloc (09022015). Collection method: clinical testing. Allele origin: germline.
Comment: This variant is not present in population databases (ExAC no frequency). For these reasons, this variant has been classified as Pathogenic. Loss-of-function variants in ATM are known to be pathogenic (PMID: 23807571, 25614872). This variant has not been reported in the literature in individuals with ATM-related conditions. This sequence change creates a premature translational stop signal (p.Glu1245*) in the ATM gene. It is expected to result in an absent or disrupted protein product.

Literature cited by the submitters: PubMed 23807571; PubMed 25614872.

NM_000051.4(ATM):c.3733G>T (p.Glu1245Ter)

Gene: ATM (ATM serine/threonine kinase; plus strand). Cytogenetic location: 11q22.3.
Variant type: single nucleotide variant.
Coding change: c.3733G>T on transcript NM_000051.4 (MANE Select); coding-DNA position 3733, G replaced by T.
Protein change: p.Glu1245Ter; replaces glutamic acid 1245 with a stop codon.
Molecular consequence: nonsense.
Genome position (GRCh38, 1-based): chr11:108,282,866, G>T. VCF-style: chr11-108282866-G-T. GRCh37 (hg19) VCF-style: chr11-108153593-G-T.
Other names: c.3733G>T, p.Glu1245Ter (NM_001351834.2); short protein forms E1245*.
Identifiers: ClinVar variation 951439 (VCV000951439.7), dbSNP rs2082308153, ClinGen allele CA382523816.